The following is an entry in ClinVar:

NM_032043.3(BRIP1):c.2613T>C (p.His871=)

Gene: BRIP1 (BRCA1 interacting DNA helicase 1; minus strand). Cytogenetic location: 17q23.2.
Variant type: single nucleotide variant.
Coding change: c.2613T>C on transcript NM_032043.3 (MANE Select); coding-DNA position 2613, T replaced by C.
Protein change: p.His871=; no amino-acid change (histidine 871 retained).
Molecular consequence: synonymous variant.
Genome position (GRCh38, 1-based): chr17:61,686,128, A>G on the plus strand (T>C on the coding strand, the complement: BRIP1 is on the minus strand). VCF-style: chr17-61686128-A-G. GRCh37 (hg19) VCF-style: chr17-59763489-A-G.
Identifiers: ClinVar variation 797543 (VCV000797543.12), dbSNP rs199721657, ClinGen allele CA8690470.

ClinVar aggregate classification (germline): Benign/Likely benign. Review status: criteria provided, multiple submitters, no conflicts (2 of 4 stars). 3 submissions from 3 submitters: Benign (1); Likely benign (2). Last evaluated 2026-02-28.

Conditions:
Familial cancer of breast. Also called: hereditary breast carcinoma; Hereditary breast cancer; BREAST CANCER, FAMILIAL. Identifiers: Orphanet 227535, MedGen C0346153, MONDO:0016419, OMIM 114480. Disease mechanism: loss of function.
Fanconi anemia complementation group J. Also called: BRIP1-Related Fanconi Anemia. Identifiers: Orphanet 84, MedGen C1836860, MONDO:0012187, OMIM 609054.
Hereditary cancer-predisposing syndrome. Also called: Tumor predisposition; Neoplastic Syndromes, Hereditary; Hereditary Cancer Syndrome; Hereditary neoplastic syndrome. Identifiers: Orphanet 140162, MedGen C0027672, MeSH D009386, MONDO:0015356.

Allele frequency attached by ClinVar (database versions not stated): gnomAD exomes below 0.00001 and 0.00001; ExAC 0.00001; gnomAD 0.00001; 1000 Genomes Project 30x 0.00016; 1000 Genomes Project 0.00020.
gnomAD v4.1: 2 of 1,614,102 alleles (0.00012%); highest among the groups gnomAD compares: Admixed American, 0.0017%; no homozygotes.

Submissions (3):

Ambry Genetics
Classification: Likely benign for Hereditary cancer-predisposing syndrome. Last evaluated: 2026-02-28. Review status: criteria provided, single submitter. Criteria: Ambry Variant Classification Scheme 2023. Collection method: clinical testing. Allele origin: germline.

Myriad Genetics, Inc.
Classification: Benign for Familial cancer of breast. Last evaluated: 2024-09-05. Review status: criteria provided, single submitter. Criteria: Myriad Autosomal Dominant, Autosomal Recessive and X-Linked Classification Criteria (2023). Collection method: clinical testing. Allele origin: unknown.
Comment: This variant is considered benign. This variant is a silent/synonymous amino acid change and it is not expected to impact splicing.

Labcorp Genetics (formerly Invitae), Labcorp
Classification: Likely benign for Familial cancer of breast; Fanconi anemia complementation group J. Last evaluated: 2023-03-18. Review status: criteria provided, single submitter. Criteria: Invitae Variant Classification Sherloc (09022015). Collection method: clinical testing. Allele origin: germline.